The following is an entry in ClinVar:

ClinVar aggregate classification (germline): Benign/Likely benign. Review status: criteria provided, multiple submitters, no conflicts (2 of 4 stars). 7 submissions from 7 submitters: Benign (2); Likely benign (3). 2 of the submissions do not count toward it. Last evaluated 2026-06-01.

Conditions:
Inborn genetic diseases. Identifiers: MedGen C0950123, MeSH D030342.
Phenylketonuria (PKU). Also called: FOLLING DISEASE; Phenylketonurias; OLIGOPHRENIA PHENYLPYRUVICA; Phenylketonuria (PKU). Identifiers: Orphanet 716, MedGen C0031485, MONDO:0009861, OMIM 261600. Disease mechanism: loss of function.

Allele frequency attached by ClinVar (database versions not stated): gnomAD 0.00001 and 0.00009; TOPMed 0.00004; ESP Exome Variant Server 0.00008; ExAC 0.00041; 1000 Genomes Project 30x 0.00062; 1000 Genomes Project 0.00080.
gnomAD v4.1: 233 of 1,614,156 alleles (0.014%); highest among the groups gnomAD compares: South Asian, 0.14%; no homozygotes.

Submissions (7):

CeGaT Center for Human Genetics Tuebingen
Classification: Likely benign. Last evaluated: 2026-06-01. Review status: criteria provided, single submitter. Criteria: CeGaT Center For Human Genetics Tuebingen Variant Classification Criteria Version 2. Collection method: clinical testing. Allele origin: germline. Affected: yes. Observed: 3 variant alleles.
Comment: PAH: BP4, BP7

Labcorp Genetics (formerly Invitae), Labcorp
Classification: Benign for Phenylketonuria. Last evaluated: 2025-06-19. Review status: criteria provided, single submitter. Criteria: Invitae Variant Classification Sherloc (09022015). Collection method: clinical testing. Allele origin: germline.

Blueprint Genetics
Classification: Likely benign. Last evaluated: 2024-11-21. Review status: criteria provided, single submitter. Criteria: ACMG Guidelines, 2015. Collection method: clinical testing. Allele origin: germline.

Ambry Genetics
Classification: Likely benign for Inborn genetic diseases. Last evaluated: 2024-01-08. Review status: criteria provided, single submitter. Criteria: Ambry Variant Classification Scheme 2023. Collection method: clinical testing. Allele origin: germline.

Breakthrough Genomics
Classification: Benign. Review status: criteria provided, single submitter. Criteria: ACMG Guidelines, 2015. Collection method: not provided. Allele origin: germline. Inheritance: Autosomal recessive inheritance. Affected: yes.

Natera, Inc.
Classification: Likely benign for Phenylketonuria. Last evaluated: 2020-04-17. Review status: no assertion criteria provided. Collection method: clinical testing. Allele origin: germline. Not counted in ClinVar's aggregate classification.

Inserm U 954, Faculté de Médecine de Nancy
Classification: Likely benign for Phenylketonuria. Review status: no assertion criteria provided. Collection method: not provided. Allele origin: unknown. Not counted in ClinVar's aggregate classification.
ClinVar note: Converted during submission from probable-non-pathogenic to Likely benign.

NM_000277.3(PAH):c.612T>C (p.Tyr204=)

Gene: PAH (phenylalanine hydroxylase; minus strand). Cytogenetic location: 12q23.2.
Variant type: single nucleotide variant.
Coding change: c.612T>C on transcript NM_000277.3 (MANE Select); coding-DNA position 612, T replaced by C.
Protein change: p.Tyr204=; no amino-acid change (tyrosine 204 retained).
Molecular consequence: synonymous variant.
Genome position (GRCh38, 1-based): chr12:102,855,230, A>G on the plus strand (T>C on the coding strand, the complement: PAH is on the minus strand). VCF-style: chr12-102855230-A-G. GRCh37 (hg19) VCF-style: chr12-103249008-A-G.
Other names: c.612T>C, p.Tyr204= (NM_001354304.2).
Identifiers: ClinVar variation 120282 (VCV000120282.26), dbSNP rs62514928, ClinGen allele CA267665.